The following is an entry in ClinVar:

NM_002890.3(RASA1):c.885C>A (p.Asp295Glu)

Genes: CCNH (cyclin H; minus strand), RASA1 (RAS p21 protein activator 1; plus strand). Cytogenetic location: 5q14.3.
Variant type: single nucleotide variant.
Coding change: c.885C>A on transcript NM_002890.3 (MANE Select); coding-DNA position 885, C replaced by A.
Protein change: p.Asp295Glu; replaces aspartic acid 295 with glutamic acid.
Molecular consequence: missense variant. On other transcripts: intron variant (1).
Genome position (GRCh38, 1-based): chr5:87,333,323, C>A. VCF-style: chr5-87333323-C-A. GRCh37 (hg19) VCF-style: chr5-86629140-C-A.
Other names: c.354C>A, p.Asp118Glu (NM_022650.3); c.934-20528G>T (NM_001364075.2); short protein forms D295E, D118E.
Identifiers: ClinVar variation 905356 (VCV000905356.12), dbSNP rs145354256, ClinGen allele CA3335588.

ClinVar aggregate classification (germline): Conflicting classifications of pathogenicity. Review status: criteria provided, conflicting classifications (1 of 4 stars). 3 submissions from 3 submitters: Uncertain significance (1); Likely benign (2). Last evaluated 2025-02-12.

Conditions:
Capillary malformation-arteriovenous malformation syndrome. Also called: Capillary malformation-arteriovenous malformation. Identifiers: Orphanet 137667, MedGen C1842180, MONDO:0012016.
Cardiovascular phenotype. Identifiers: MedGen CN230736.
Capillary malformation-arteriovenous malformation 1 (CMAVM1). Identifiers: Orphanet 137667, Orphanet 693907, MedGen C4747394, MONDO:0020783, OMIM 608354.

Allele frequency attached by ClinVar (database versions not stated): gnomAD exomes 0.00004 and 0.00009; TOPMed 0.00005; ExAC 0.00003; gnomAD 0.00003; ESP Exome Variant Server 0.00015.
gnomAD v4.1: 138 of 1,612,692 alleles (0.0086%); highest among the groups gnomAD compares: Non-Finnish European, 0.011%; no homozygotes.

Submissions (3):

Labcorp Genetics (formerly Invitae), Labcorp
Classification: Uncertain significance for Capillary malformation-arteriovenous malformation syndrome. Last evaluated: 2025-02-12. Review status: criteria provided, single submitter. Criteria: Invitae Variant Classification Sherloc (09022015). Collection method: clinical testing. Allele origin: germline.
Comment: This sequence change replaces aspartic acid, which is acidic and polar, with glutamic acid, which is acidic and polar, at codon 295 of the RASA1 protein (p.Asp295Glu). This variant is present in population databases (rs145354256, gnomAD 0.006%). This variant has not been reported in the literature in individuals affected with RASA1-related conditions. ClinVar contains an entry for this variant (Variation ID: 905356). An algorithm developed to predict the effect of missense changes on protein structure and function outputs the following: PolyPhen-2: "Benign". The glutamic acid amino acid residue is found in multiple mammalian species, which suggests that this missense change does not adversely affect protein function. In summary, the available evidence is currently insufficient to determine the role of this variant in disease. Therefore, it has been classified as a Variant of Uncertain Significance.

Ambry Genetics
Classification: Likely benign for Cardiovascular phenotype. Last evaluated: 2022-10-02. Review status: criteria provided, single submitter. Criteria: Ambry Variant Classification Scheme 2023. Collection method: clinical testing. Allele origin: germline.

Illumina Laboratory Services, Illumina
Classification: Likely benign for Capillary malformation-arteriovenous malformation 1. Last evaluated: 2017-04-27. Review status: criteria provided, single submitter. Criteria: ICSL Variant Classification Criteria 13 December 2019. Collection method: clinical testing. Allele origin: germline.
Comment: This variant was observed as part of a predisposition screen in an ostensibly healthy population. A literature search was performed for the gene, cDNA change, and amino acid change (where applicable). No publications were found based on this search. Allele frequency data from public databases allowed determination this variant is unlikely to cause disease. Therefore, this variant is classified as likely benign.